The following is an entry in ClinVar:

NR_002196.3(H19):n.1874C>T

Genes: H19 (H19 imprinted maternally expressed transcript; minus strand), HOTS (H19 opposite tumor suppressor; plus strand), MRPL23 (mitochondrial ribosomal protein L23; plus strand). Cytogenetic location: 11p15.5.
Variant type: single nucleotide variant.
Molecular consequence: non-coding transcript variant (on NR_002196.3). On other transcripts: intron variant (1).
Genome position: GRCh38 VCF-style: chr11-1995617-G-A. GRCh37 (hg19) VCF-style: chr11-2016847-G-A.
Other names: c.498-15924G>A (NM_001400176.1).
Identifiers: ClinVar variation 4981561 (VCV004981561.1).

ClinVar aggregate classification (germline): Likely benign (1 of 4 stars; one submission).

Conditions:
H19-related disorder. Also called: H19-related condition.

Submission:

PreventionGenetics, part of Exact Sciences
Classification: Likely benign for H19-related condition. Last evaluated: 2025-09-25. Review status: criteria provided, single submitter. Criteria: ACMG Guidelines, 2015. Collection method: clinical testing. Allele origin: germline.
Comment: This variant is classified as likely benign based on ACMG/AMP sequence variant interpretation guidelines (Richards et al. 2015 PMID: 25741868, with internal and published modifications).